The following is an entry in ClinVar:

NM_003742.4(ABCB11):c.884dup (p.Gly296fs)

Gene: ABCB11 (ATP binding cassette subfamily B member 11; minus strand). Cytogenetic location: 2q31.1.
Variant type: Duplication.
Coding change: c.884dup on transcript NM_003742.4 (MANE Select); coding-DNA position 884, one base duplicated (G; older notation c.884dupG).
Protein change: p.Gly296fs; shifts the reading frame from glycine 296.
Molecular consequence: frameshift variant.
Genome position (GRCh38, 1-based): chr2:168,990,825, C duplicated on the plus strand (G on the coding strand, the reverse complement: ABCB11 is on the minus strand); the first of 2 consecutive C bases (chr2:168,990,825-168,990,826); duplicating either gives the same sequence. VCF-style (leftmost placement, unchanged base first): chr2-168990824-A-AC. GRCh37 (hg19) VCF-style: chr2-169847334-A-AC.
Other names: short protein forms G296fs.
Identifiers: ClinVar variation 2680470 (VCV002680470.4), dbSNP rs2545442155, ClinGen allele CA2695196979.

ClinVar aggregate classification (germline): Pathogenic/Likely pathogenic. Review status: criteria provided, multiple submitters, no conflicts (2 of 4 stars). 2 submissions from 2 submitters: Pathogenic (1); Likely pathogenic (1). Last evaluated 2023-04-14.

Conditions:
Benign recurrent intrahepatic cholestasis type 2 (BRIC2). Also called: Recurrent familial intrahepatic cholestasis 2. Identifiers: Orphanet 65682, Orphanet 99961, MedGen C2608083, MONDO:0011559, OMIM 605479.

Submissions (2):

Labcorp Genetics (formerly Invitae), Labcorp
Classification: Pathogenic. Last evaluated: 2023-04-14. Review status: criteria provided, single submitter. Criteria: Invitae Variant Classification Sherloc (09022015). Collection method: clinical testing. Allele origin: germline.
Comment: This sequence change creates a premature translational stop signal (p.Gly296Trpfs*2) in the ABCB11 gene. It is expected to result in an absent or disrupted protein product. Loss-of-function variants in ABCB11 are known to be pathogenic (PMID: 18395098, 20232290). For these reasons, this variant has been classified as Pathogenic. This variant has not been reported in the literature in individuals affected with ABCB11-related conditions. This variant is not present in population databases (gnomAD no frequency).

Baylor Genetics
Classification: Likely pathogenic for Benign recurrent intrahepatic cholestasis type 2. Last evaluated: 2023-03-25. Review status: criteria provided, single submitter. Criteria: ACMG Guidelines, 2015. Collection method: clinical testing. Allele origin: unknown.

Literature cited by the submitters: PubMed 18395098 (cited by Labcorp Genetics (formerly Invitae), Labcorp); PubMed 20232290 (cited by Labcorp Genetics (formerly Invitae), Labcorp).